The following is an entry in ClinVar:

ClinVar aggregate classification (germline): Uncertain significance (1 of 4 stars; one submission).

Conditions:
Inborn genetic diseases. Identifiers: MedGen C0950123, MeSH D030342.

Submission:

Ambry Genetics
Classification: Uncertain significance for Inborn genetic diseases. Last evaluated: 2025-06-10. Review status: criteria provided, single submitter. Criteria: Ambry Variant Classification Scheme 2023. Collection method: clinical testing. Allele origin: germline.
Comment: The p.E206G variant (also known as c.617A>G), located in coding exon 1 of the SAMD9L gene, results from an A to G substitution at nucleotide position 617. The glutamic acid at codon 206 is replaced by glycine, an amino acid with similar properties. This amino acid position is conserved. In addition, this alteration is predicted to be tolerated by in silico analysis. Based on the available evidence, the clinical significance of this variant remains unclear.

NM_152703.5(SAMD9L):c.617A>G (p.Glu206Gly)

Gene: SAMD9L (sterile alpha motif domain containing 9 like; minus strand). Cytogenetic location: 7q21.2.
Variant type: single nucleotide variant.
Coding change: c.617A>G on transcript NM_152703.5 (MANE Select); coding-DNA position 617, A replaced by G.
Protein change: p.Glu206Gly; replaces glutamic acid 206 with glycine.
Molecular consequence: missense variant.
Genome position (GRCh38, 1-based): chr7:93,135,355, T>C on the plus strand (A>G on the coding strand, the complement: SAMD9L is on the minus strand). VCF-style: chr7-93135355-T-C. GRCh37 (hg19) VCF-style: chr7-92764668-T-C.
Other names: c.617A>G, p.Glu206Gly (NM_001303496.3, NM_001303497.3, NM_001303498.3 and 5 more transcripts); short protein forms E206G.
Identifiers: ClinVar variation 3950011 (VCV003950011.1).